The following is an entry in ClinVar:

NM_022089.4(ATP13A2):c.347+17_347+18delinsAT

Gene: ATP13A2 (ATPase cation transporting 13A2; minus strand). Cytogenetic location: 1p36.13.
Variant type: Indel.
Coding change: c.347+17_347+18delinsAT on transcript NM_022089.4 (MANE Select); bases 17 to 18 of the intron after coding-DNA position 347, GC replaced by AT.
Molecular consequence: intron variant.
Genome position (GRCh38, 1-based): chr1:17,004,996-17,004,997, GC replaced by AT on the plus strand (GC replaced by AT on the coding strand, the reverse complement: ATP13A2 is on the minus strand). VCF-style: chr1-17004996-GC-AT. GRCh37 (hg19) VCF-style: chr1-17331491-GC-AT.
Other names: c.347+17_347+18delinsAT (NM_001141974.3, NM_001141973.3).
Identifiers: ClinVar variation 1961260 (VCV001961260.3), dbSNP rs2524403673, ClinGen allele CA2580060614.

ClinVar aggregate classification (germline): Uncertain significance (1 of 4 stars; one submission).

Conditions:
Autosomal recessive spastic paraplegia type 78. Identifiers: Orphanet 513436, MedGen C5567893, MONDO:0014975, OMIM 617225.
Kufor-Rakeb syndrome (KRS). Also called: PARKINSON DISEASE 9, AUTOSOMAL RECESSIVE, JUVENILE-ONSET. Identifiers: Orphanet 306674, Orphanet 314632, MedGen C1847640, MONDO:0011706, OMIM 606693.

Submission:

Labcorp Genetics (formerly Invitae), Labcorp
Classification: Uncertain significance for Kufor-Rakeb syndrome; Autosomal recessive spastic paraplegia type 78. Last evaluated: 2022-05-16. Review status: criteria provided, single submitter. Criteria: Invitae Variant Classification Sherloc (09022015). Collection method: clinical testing. Allele origin: germline.
Comment: This sequence change falls in intron 4 of the ATP13A2 gene. It does not directly change the encoded amino acid sequence of the ATP13A2 protein. Information on the frequency of this variant in the gnomAD database is not available, as this variant may be reported differently in the database. This variant has not been reported in the literature in individuals affected with ATP13A2-related conditions. Experimental studies and prediction algorithms are not available or were not evaluated, and the effect of this variant on mRNA splicing is currently unknown. In summary, the available evidence is currently insufficient to determine the role of this variant in disease. Therefore, it has been classified as a Variant of Uncertain Significance.